The following is an entry in ClinVar:

ClinVar aggregate classification (germline): Uncertain significance (1 of 4 stars; one submission).

Conditions:
Cataract 5 multiple types (CTRCT5). Also called: CATARACT, MARNER TYPE; CATARACT 5, LAMELLAR; Lamellar cataract. Identifiers: Orphanet 91492, MedGen C0266537, MONDO:0007290, OMIM 116800, HP:0007971.

Submission:

Labcorp Genetics (formerly Invitae), Labcorp
Classification: Uncertain significance for Cataract 5 multiple types. Last evaluated: 2017-07-10. Review status: criteria provided, single submitter. Criteria: Invitae Variant Classification Sherloc (09022015). Collection method: clinical testing. Allele origin: germline.
Comment: In summary, the available evidence is currently insufficient to determine the role of this variant in disease. Therefore, it has been classified as a Variant of Uncertain Significance. Algorithms developed to predict the effect of missense changes on protein structure and function (SIFT, PolyPhen-2, Align-GVGD) all suggest that this variant is likely to be disruptive, but these predictions have not been confirmed by published functional studies and their clinical significance is uncertain. This variant has not been reported in the literature in individuals with HSF4-related disease. This variant is not present in population databases (ExAC no frequency). This sequence change replaces valine with glycine at codon 117 of the HSF4 protein (p.Val117Gly). The valine residue is moderately conserved and there is a moderate physicochemical difference between valine and glycine.

NM_001374675.1(HSF4):c.350T>G (p.Val117Gly)

Gene: HSF4 (heat shock transcription factor 4; plus strand). Cytogenetic location: 16q22.1.
Variant type: single nucleotide variant.
Coding change: c.350T>G on transcript NM_001374675.1 (MANE Select); coding-DNA position 350, T replaced by G.
Protein change: p.Val117Gly; replaces valine 117 with glycine.
Molecular consequence: missense variant.
Genome position (GRCh38, 1-based): chr16:67,165,836, T>G. VCF-style: chr16-67165836-T-G. GRCh37 (hg19) VCF-style: chr16-67199739-T-G.
Other names: c.350T>G, p.Val117Gly (NM_001040667.3, NM_001374674.1, NM_001538.4); short protein forms V117G.
Identifiers: ClinVar variation 459608 (VCV000459608.8), dbSNP rs1555549881, ClinGen allele CA396264554.